The following is an entry in ClinVar:

ClinVar aggregate classification (germline): Pathogenic (1 of 4 stars; one submission).

Conditions:
Hereditary spastic paraplegia 15 (SPG15). Also called: SPASTIC PARAPLEGIA 15, AUTOSOMAL RECESSIVE; KJELLIN SYNDROME; SPASTIC PARAPLEGIA AND RETINAL DEGENERATION. Identifiers: Orphanet 100996, MedGen C1849128, MONDO:0010044, OMIM 270700.

Submission:

Myriad Genetics, Inc.
Classification: Pathogenic for Hereditary spastic paraplegia 15. Last evaluated: 2026-03-21. Review status: criteria provided, single submitter. Criteria: Myriad Autosomal Dominant, Autosomal Recessive and X-Linked Classification Criteria (2023). Collection method: clinical testing. Allele origin: unknown.
Comment: NM_015346.3(ZFYVE26):c.5579delC(P1860Lfs*27) is expected to be pathogenic in the context of spastic paraplegia type 15. This variant is predicted to lead to an abnormal or absent protein product due to the creation of a premature termination codon in ZFYVE26, a gene where loss-of-function variants are known to be pathogenic. Please note: this variant was assessed in the context of healthy population screening.

NM_015346.4(ZFYVE26):c.5579del (p.Pro1860fs)

Gene: ZFYVE26 (zinc finger FYVE-type containing 26; minus strand). Cytogenetic location: 14q24.1.
Variant type: Deletion.
Coding change: c.5579del on transcript NM_015346.4 (MANE Select); coding-DNA position 5579, one base deleted (C; older notation c.5579delC).
Protein change: p.Pro1860fs; shifts the reading frame from proline 1860.
Molecular consequence: frameshift variant.
Genome position (GRCh38, 1-based): chr14:67,769,636, G deleted on the plus strand (C on the coding strand, the reverse complement: ZFYVE26 is on the minus strand); the first of 3 consecutive G bases (chr14:67,769,636-67,769,638); deleting any one gives the same sequence. VCF-style (leftmost placement, unchanged base first): chr14-67769635-AG-A. GRCh37 (hg19) VCF-style: chr14-68236352-AG-A.
Other names: short protein forms P1860fs.
Identifiers: ClinVar variation 5015709 (VCV005015709.1).